The following is an entry in ClinVar:

ClinVar aggregate classification (germline): Benign. Review status: criteria provided, multiple submitters, no conflicts (2 of 4 stars). 4 submissions from 4 submitters: Benign (3). 1 of the submissions does not count toward it. Last evaluated 2021-05-04.

Conditions:
DNAH17-related disorder. Also called: DNAH17-related condition.

Allele frequency attached by ClinVar (database versions not stated): ESP Exome Variant Server 0.21623; gnomAD 0.24140 and 0.24893; TOPMed 0.25072; gnomAD exomes 0.25325 and 0.29990; ExAC 0.29123; 1000 Genomes Project 30x 0.31918; 1000 Genomes Project 0.32368.
gnomAD v4.1: 407,756 of 1,613,666 alleles (25%); highest among the groups gnomAD compares: East Asian, 47%; 55,734 homozygotes.

Submissions (4):

GeneDx
Classification: Benign. Last evaluated: 2021-05-04. Review status: criteria provided, single submitter. Criteria: GeneDx Variant Classification Process June 2021. Collection method: clinical testing. Allele origin: germline. Affected: yes.

Laboratory for Molecular Medicine, Mass General Brigham Personalized Medicine
Classification: Benign. Last evaluated: 2016-03-29. Review status: criteria provided, single submitter. Criteria: LMM Criteria. Collection method: clinical testing. Allele origin: germline.
Comment: Variant identified in a genome or exome case(s) and assessed due to predicted null impact of the variant or pathogenic assertions in the literature or databases. Disclaimer: This variant has not undergone full assessment. The following are preliminary notes: Frequency

Breakthrough Genomics
Classification: Benign. Review status: criteria provided, single submitter. Criteria: ACMG Guidelines, 2015. Collection method: not provided. Allele origin: germline. Inheritance: Autosomal recessive inheritance. Affected: yes.

PreventionGenetics, part of Exact Sciences
Classification: Benign for DNAH17-related condition. Last evaluated: 2019-10-17. Review status: no assertion criteria provided. Collection method: clinical testing. Allele origin: germline. Not counted in ClinVar's aggregate classification.
Comment: This variant is classified as benign based on ACMG/AMP sequence variant interpretation guidelines (Richards et al. 2015 PMID: 25741868, with internal and published modifications).

NM_173628.4(DNAH17):c.4500G>A (p.Glu1500=)

Genes: DNAH17 (dynein axonemal heavy chain 17; minus strand), LOC126862654 (MED14-independent group 3 enhancer GRCh37_chr17:76502868-76504067; plus strand). Cytogenetic location: 17q25.3.
Variant type: single nucleotide variant.
Coding change: c.4500G>A on transcript NM_173628.4 (MANE Select); coding-DNA position 4500, G replaced by A.
Protein change: p.Glu1500=; no amino-acid change (glutamic acid 1500 retained).
Molecular consequence: synonymous variant.
Genome position (GRCh38, 1-based): chr17:78,507,542, C>T on the plus strand (G>A on the coding strand, the complement: DNAH17 is on the minus strand). VCF-style: chr17-78507542-C-T. GRCh37 (hg19) VCF-style: chr17-76503624-C-T.
Identifiers: ClinVar variation 402691 (VCV000402691.9), dbSNP rs626439, ClinGen allele CA8803755.